The following is an entry in ClinVar:

NM_019053.6(EXOC6):c.102-1G>A

Gene: EXOC6 (exocyst complex component 6; plus strand). Cytogenetic location: 10q23.33.
Variant type: single nucleotide variant.
Coding change: c.102-1G>A on transcript NM_019053.6 (MANE Select); the canonical splice acceptor site of the intron before coding-DNA position 102, G replaced by A.
Molecular consequence: splice acceptor variant.
Genome position (GRCh38, 1-based): chr10:92,893,348, G>A. VCF-style: chr10-92893348-G-A. GRCh37 (hg19) VCF-style: chr10-94653105-G-A.
Other names: c.87-1G>A (NM_001013848.4); c.150-1G>A (NM_001319194.2); c.102-1G>A (NM_001319195.2, NM_001319200.2).
Identifiers: ClinVar variation 4882516 (VCV004882516.2).
Genomic context (GRCh38, chr10:92,893,348, plus strand): 5'-AAAGATCAGGCTTACTAAATAATACATTTTGGTTAATTTTAGCTTTCTTATATACATTCA[G>A]GTCTGTGTATGATGACCAACCAAATGCGCACAAGAAGTTTATGGAAAAGTTAGATGCTTG-3'

ClinVar aggregate classification (germline): Uncertain significance (1 of 4 stars; one submission).

Submission:

Dasa
Classification: Uncertain significance. Last evaluated: 2024-10-04. Review status: criteria provided, single submitter. Criteria: DASA Assertion Criteria. Collection method: clinical testing. Allele origin: germline.
Comment: NM_019053.6(EXOC6):c.102-1G>A affects a canonical splice site and is predicted to disrupt normal RNA splicing. This variant is rare in population databases. Computational prediction algorithms are consistent with a deleterious effect. The currently available literature and clinical evidence are not sufficient to establish a definitive association between this variant and the reported condition. Therefore, this variant is classified as a variant of uncertain significance.